The following is an entry in ClinVar:

ClinVar aggregate classification (germline): Uncertain significance (1 of 4 stars; one submission).

Allele frequency attached by ClinVar (database versions not stated): gnomAD exomes below 0.00001; ExAC 0.00001; gnomAD 0.00001; TOPMed 0.00001.
gnomAD v4.1: 6 of 1,608,562 alleles (0.00037%); highest among the groups gnomAD compares: Non-Finnish European, 0.00051%; no homozygotes.

Submission:

Labcorp Genetics (formerly Invitae), Labcorp
Classification: Uncertain significance. Last evaluated: 2022-02-05. Review status: criteria provided, single submitter. Criteria: Invitae Variant Classification Sherloc (09022015). Collection method: clinical testing. Allele origin: germline.
Comment: This sequence change falls in intron 5 of the RDH11 gene. It does not directly change the encoded amino acid sequence of the RDH11 protein. In summary, the available evidence is currently insufficient to determine the role of this variant in disease. Therefore, it has been classified as a Variant of Uncertain Significance. Algorithms developed to predict the effect of sequence changes on RNA splicing suggest that this variant may disrupt the consensus splice site. This variant has not been reported in the literature in individuals affected with RDH11-related conditions. This variant is present in population databases (rs748736991, gnomAD 0.002%).

NM_016026.4(RDH11):c.665-5A>G

Genes: GPHN (gephyrin; plus strand), RDH11 (retinol dehydrogenase 11; minus strand). Cytogenetic location: 14q24.1.
Variant type: single nucleotide variant.
Coding change: c.665-5A>G on transcript NM_016026.4 (MANE Select); 5 bases into the intron before coding-DNA position 665, A replaced by G.
Molecular consequence: intron variant.
Genome position (GRCh38, 1-based): chr14:67,685,209, T>C on the plus strand (A>G on the coding strand, the complement: RDH11 is on the minus strand). VCF-style: chr14-67685209-T-C. GRCh37 (hg19) VCF-style: chr14-68151926-T-C.
Other names: c.455-5A>G (NM_001252650.2).
Identifiers: ClinVar variation 1391636 (VCV001391636.8), dbSNP rs748736991, ClinGen allele CA7238321.
Genomic context (GRCh38, chr14:67,685,209, plus strand): 5'-AACCAGTTCAGATTGGACTGTGCCAGGGTGTACAGAATACGTCGTAACGCCAGAGCCTGG[T>C]TGGGGGTGGCATGAAGAGAGGGTAAGACAGGACTTGATTTTGCAGAATAGCCCAAAACAG-3'